The following is an entry in ClinVar:

NM_001077350.3(NPRL3):c.1609_1610delinsTC (p.Arg537Ser)

Gene: NPRL3 (NPR3 like, GATOR1 complex subunit; minus strand). Cytogenetic location: 16p13.3.
Variant type: Indel.
Coding change: c.1609_1610delinsTC on transcript NM_001077350.3 (MANE Select); coding-DNA positions 1609 to 1610, CG replaced by TC.
Protein change: p.Arg537Ser; replaces arginine 537 with serine.
Molecular consequence: missense variant.
Genome position (GRCh38, 1-based): chr16:86,805-86,806, CG replaced by GA on the plus strand (CG replaced by TC on the coding strand, the reverse complement: NPRL3 is on the minus strand). VCF-style: chr16-86805-CG-GA. GRCh37 (hg19) VCF-style: chr16-136804-CG-GA.
Other names: c.1072_1073delinsTC, p.Arg358Ser (NM_001039476.3); c.1375_1376delinsTC, p.Arg459Ser (NM_001243247.2); c.1534_1535delinsTC, p.Arg512Ser (NM_001243248.2, NM_001243249.2); short protein forms R358S, R512S, R537S, R459S.
Identifiers: ClinVar variation 2109852 (VCV002109852.4), dbSNP rs2542791399, ClinGen allele CA2580092049.

ClinVar aggregate classification (germline): Uncertain significance (1 of 4 stars; one submission).

Conditions:
Epilepsy, familial focal, with variable foci 3 (FFEVF3). Identifiers: MedGen C4310708, MONDO:0014925, OMIM 617118.

Submission:

Labcorp Genetics (formerly Invitae), Labcorp
Classification: Uncertain significance for Epilepsy, familial focal, with variable foci 3. Last evaluated: 2022-03-12. Review status: criteria provided, single submitter. Criteria: Invitae Variant Classification Sherloc (09022015). Collection method: clinical testing. Allele origin: germline.
Comment: In summary, the available evidence is currently insufficient to determine the role of this variant in disease. Therefore, it has been classified as a Variant of Uncertain Significance. Experimental studies and prediction algorithms are not available or were not evaluated, and the functional significance of this variant is currently unknown. This variant has not been reported in the literature in individuals affected with NPRL3-related conditions. The frequency data for this variant in the population databases is considered unreliable, as metrics indicate poor data quality at this position in the gnomAD database. This sequence change replaces arginine, which is basic and polar, with serine, which is neutral and polar, at codon 537 of the NPRL3 protein (p.Arg537Ser).